The following is an entry in ClinVar:

NM_000444.6(PHEX):c.758TGG[1] (p.Val254del)

Gene: PHEX (phosphate regulating endopeptidase homolog X-linked; plus strand). Cytogenetic location: Xp22.11.
Variant type: Microsatellite.
Coding change: c.758TGG[1] on transcript NM_000444.6 (MANE Select); one copy of the 3-base unit TGG starting at c.758; the reference has two copies in a row; one copy, 3 bases deleted.
Protein change: p.Val254del; deletes valine 254.
Molecular consequence: inframe deletion.
Genome position (GRCh38, 1-based): chrX:22,094,011-22,094,013, TGG deleted; deleting any 3 consecutive bases within chrX:22,094,008-22,094,013 gives the same sequence; the position shown is the placement nearest the transcript's 3' end. VCF-style (leftmost placement, unchanged base first): chrX-22094007-ATGG-A. GRCh37 (hg19) VCF-style: chrX-22112125-ATGG-A.
Other names: c.758TGG[1], p.Val254del (NM_001282754.2); short protein forms V254del.
Identifiers: ClinVar variation 423381 (VCV000423381.2), dbSNP rs1064796391, ClinGen allele CA16621315.

ClinVar aggregate classification (germline): Likely pathogenic (1 of 4 stars; one submission).

Submission:

GeneDx
Classification: Likely pathogenic. Last evaluated: 2017-01-30. Review status: criteria provided, single submitter. Criteria: GeneDx Variant Classification (06012015). Collection method: clinical testing. Allele origin: germline. Affected: yes.
Comment: To our knowledge, the c.761_763delTGG variant has not been published as a pathogenic variant, nor has it been reported as a benign variant. It was not observed in approximately 6,500 individuals of European and African American ancestry in the NHLBI Exome Sequencing Project, indicating it is not a common benign variant in these populations. The c.761_763delTGG in-frame deletion results in the loss of a single Valine residue at codon 254, denoted p.V254del. The deleted amino acid is conserved among species and prediction models suggest the deletion of this residue is damaging to the protein. Therefore, this variant is likely pathogenic; however, the possibility that it is benign cannot be excluded.